The following is an entry in ClinVar:

ClinVar aggregate classification (germline): Pathogenic (1 of 4 stars; one submission).

Conditions:
Ataxia-telangiectasia syndrome (AT). Also called: ATAXIA-TELANGIECTASIA, COMPLEMENTATION GROUP A; ATAXIA-TELANGIECTASIA, FRESNO VARIANT; Ataxia-telangiectasia; Ataxia-telangiectasia, complementation group D; Ataxia-telangiectasia, complementation group E; AT, COMPLEMENTATION GROUP C. Identifiers: Orphanet 100, MedGen C0004135, MONDO:0008840, OMIM 208900.

Submission:

Labcorp Genetics (formerly Invitae), Labcorp
Classification: Pathogenic for Ataxia-telangiectasia syndrome. Last evaluated: 2025-01-25. Review status: criteria provided, single submitter. Criteria: Invitae Variant Classification Sherloc (09022015). Collection method: clinical testing. Allele origin: germline.
Comment: This sequence change creates a premature translational stop signal (p.Glu888Asnfs*11) in the ATM gene. It is expected to result in an absent or disrupted protein product. Loss-of-function variants in ATM are known to be pathogenic (PMID: 23807571, 25614872). This variant is not present in population databases (gnomAD no frequency). This variant has not been reported in the literature in individuals affected with ATM-related conditions. RNA analysis provides insufficient evidence to determine the effect of this variant on ATM splicing (internal data). For these reasons, this variant has been classified as Pathogenic.

Literature cited by the submitters: PubMed 23807571; PubMed 25614872.

NM_000051.4(ATM):c.2662del (p.Glu888fs)

Gene: ATM (ATM serine/threonine kinase; plus strand). Cytogenetic location: 11q22.3.
Variant type: Deletion.
Coding change: c.2662del on transcript NM_000051.4 (MANE Select); coding-DNA position 2662, one base deleted (G; older notation c.2662delG).
Protein change: p.Glu888fs; shifts the reading frame from glutamic acid 888.
Molecular consequence: frameshift variant.
Genome position (GRCh38, 1-based): chr11:108,268,433, G deleted. VCF-style (leftmost placement, unchanged base first): chr11-108268432-AG-A. GRCh37 (hg19) VCF-style: chr11-108139159-AG-A.
Other names: c.2662del, p.Glu888fs (NM_001351834.2); short protein forms E888fs.
Identifiers: ClinVar variation 3729560 (VCV003729560.2).